The following is an entry in ClinVar:

ClinVar aggregate classification (germline): Uncertain significance (1 of 4 stars; one submission).

Conditions:
Cardiomyopathy (CMYO). Also called: Cardiomyopathies. Identifiers: Orphanet 167848, MedGen C0878544, MONDO:0004994, HP:0001638. Inheritance: Various modes of inheritance.

Submission:

Color Diagnostics, LLC DBA Color Health
Classification: Uncertain significance for Cardiomyopathy. Last evaluated: 2025-07-07. Review status: criteria provided, single submitter. Criteria: ACMG Guidelines, 2015. Collection method: clinical testing. Allele origin: germline.
Comment: This missense variant replaces glycine with alanine at codon 2824 of the DSP protein. To our knowledge, functional studies have not been reported for this variant. This variant has not been reported in individuals affected with DSP-related disorders in the literature. This variant has not been identified in the general population by the Genome Aggregation Database (gnomAD). The available evidence is insufficient to determine the role of this variant in disease conclusively. Therefore, this variant is classified as a Variant of Uncertain Significance.

NM_004415.4(DSP):c.8471_8472inv (p.Gly2824Ala)

Gene: DSP (desmoplakin; plus strand). Cytogenetic location: 6p24.3.
Variant type: Inversion.
Coding change: c.8471_8472inv on transcript NM_004415.4 (MANE Select).
Protein change: p.Gly2824Ala; replaces glycine 2824 with alanine.
Molecular consequence: missense variant.
Genome position: GRCh38 VCF-style: chr6-7585733-GG-CC. GRCh37 (hg19) VCF-style: chr6-7585966-GG-CC.
Other names: c.8471_8472delinsCC (NM_004415.4); c.6674_6675inv, p.Gly2225Ala (NM_001008844.3); c.7142_7143inv, p.Gly2381Ala (NM_001319034.2); short protein forms G2225A, G2381A, G2824A.
Identifiers: ClinVar variation 4757506 (VCV004757506.1).